The following is an entry in ClinVar:

NM_003673.4(TCAP):c.316C>A (p.Arg106Ser)

Gene: TCAP (titin-cap; plus strand). Cytogenetic location: 17q12.
Variant type: single nucleotide variant.
Coding change: c.316C>A on transcript NM_003673.4 (MANE Select); coding-DNA position 316, C replaced by A.
Protein change: p.Arg106Ser; replaces arginine 106 with serine.
Molecular consequence: missense variant.
Genome position (GRCh38, 1-based): chr17:39,665,921, C>A. VCF-style: chr17-39665921-C-A. GRCh37 (hg19) VCF-style: chr17-37822174-C-A.
Other names: short protein forms R106S.
Identifiers: ClinVar variation 566074 (VCV000566074.11), dbSNP rs45578741, ClinGen allele CA8532897.

ClinVar aggregate classification (germline): Uncertain significance. Review status: criteria provided, multiple submitters, no conflicts (2 of 4 stars). 2 submissions from 2 submitters: Uncertain significance (2). Last evaluated 2026-04-01.

Conditions:
Hypertrophic cardiomyopathy 25 (CMH25). Also called: CARDIOMYOPATHY, FAMILIAL HYPERTROPHIC, 25. Identifiers: MedGen C4225408, MONDO:0011843, OMIM 607487.
Primary familial hypertrophic cardiomyopathy (HCM). Identifiers: Orphanet 99739, MedGen C0949658, MeSH D024741, MONDO:0024573. Inheritance: Various modes of inheritance.

Submissions (2):

CeGaT Center for Human Genetics Tuebingen
Classification: Uncertain significance. Last evaluated: 2026-04-01. Review status: criteria provided, single submitter. Criteria: CeGaT Center For Human Genetics Tuebingen Variant Classification Criteria Version 2. Collection method: clinical testing. Allele origin: germline. Affected: yes. Observed: 1 variant allele.
Comment: TCAP: PM2:Supporting

Labcorp Genetics (formerly Invitae), Labcorp
Classification: Uncertain significance for Hypertrophic cardiomyopathy 25; Primary familial hypertrophic cardiomyopathy. Last evaluated: 2023-12-01. Review status: criteria provided, single submitter. Criteria: Invitae Variant Classification Sherloc (09022015). Collection method: clinical testing. Allele origin: germline.
Comment: This sequence change replaces arginine, which is basic and polar, with serine, which is neutral and polar, at codon 106 of the TCAP protein (p.Arg106Ser). This variant is present in population databases (rs45578741, gnomAD 0.0009%). This variant has not been reported in the literature in individuals affected with TCAP-related conditions. ClinVar contains an entry for this variant (Variation ID: 566074). An algorithm developed to predict the effect of missense changes on protein structure and function (PolyPhen-2) suggests that this variant is likely to be disruptive. In summary, the available evidence is currently insufficient to determine the role of this variant in disease. Therefore, it has been classified as a Variant of Uncertain Significance.